The following is an entry in ClinVar:

NM_021930.6(RINT1):c.1982A>G (p.Gln661Arg)

Genes: EFCAB10 (EF-hand calcium binding domain 10; minus strand), RINT1 (RAD50 interactor 1; plus strand). Cytogenetic location: 7q22.3.
Variant type: single nucleotide variant.
Coding change: c.1982A>G on transcript NM_021930.6 (MANE Select); coding-DNA position 1982, A replaced by G.
Protein change: p.Gln661Arg; replaces glutamine 661 with arginine.
Molecular consequence: missense variant. On other transcripts: 3 prime UTR variant (3), non-coding transcript variant (1).
Genome position (GRCh38, 1-based): chr7:105,565,372, A>G. VCF-style: chr7-105565372-A-G. GRCh37 (hg19) VCF-style: chr7-105205819-A-G.
Other names: c.*75T>C (NM_001355526.2); c.*177T>C (NM_001355530.2); c.*30T>C (NM_001355531.2); c.1748A>G, p.Gln583Arg (NM_001346599.2); c.959A>G, p.Gln320Arg (NM_001346600.2, NM_001346603.2); c.1058A>G, p.Gln353Arg (NM_001346601.2); short protein forms Q320R, Q353R, Q583R, Q661R.
Identifiers: ClinVar variation 3945965 (VCV003945965.1).

ClinVar aggregate classification (germline): Uncertain significance (1 of 4 stars; one submission).

gnomAD v4.1: 2 of 1,614,188 alleles (0.00012%); highest among the groups gnomAD compares: Non-Finnish European, 0.00017%; no homozygotes.

Submission:

Ambry Genetics
Classification: Uncertain significance. Last evaluated: 2025-05-02. Review status: criteria provided, single submitter. Criteria: Ambry Variant Classification Scheme 2023. Collection method: clinical testing. Allele origin: germline.
Comment: The p.Q661R variant (also known as c.1982A>G), located in coding exon 13 of the RINT1 gene, results from an A to G substitution at nucleotide position 1982. The glutamine at codon 661 is replaced by arginine, an amino acid with highly similar properties. This amino acid position is conserved. In addition, this alteration is predicted to be tolerated by in silico analysis. Based on the available evidence, the clinical significance of this variant remains unclear.